The following is an entry in ClinVar:

NM_001365951.3(KIF1B):c.2115+6485del

Gene: KIF1B (kinesin family member 1B; plus strand). Cytogenetic location: 1p36.22.
Variant type: Deletion.
Coding change: c.2115+6485del on transcript NM_001365951.3 (MANE Select); 6485 bases into the intron after coding-DNA position 2115, one base deleted (A; older notation c.2115+6485delA).
Molecular consequence: intron variant. On other transcripts: frameshift variant (2).
Genome position (GRCh38, 1-based): chr1:10,303,731, A deleted; the last of 3 consecutive A bases (chr1:10,303,729-10,303,731); deleting any one gives the same sequence. VCF-style (leftmost placement, unchanged base first): chr1-10303728-GA-G. GRCh37 (hg19) VCF-style: chr1-10363786-GA-G.
Other names: c.2546del, p.Asn849fs (NM_001365953.1, NM_183416.4); c.1977+6485del (NM_015074.3); c.2115+6485del (NM_001365952.1); short protein forms N849fs.
Identifiers: ClinVar variation 2633797 (VCV002633797.1), dbSNP rs1650666258, ClinGen allele CA1153157529.

ClinVar aggregate classification (germline): Uncertain significance (1 of 4 stars; one submission).

Conditions:
KIF1B-related disorder. Also called: KIF1B-related condition.

Submission:

PreventionGenetics, part of Exact Sciences
Classification: Uncertain significance for KIF1B-related condition. Last evaluated: 2023-03-10. Review status: criteria provided, single submitter. Criteria: ACMG Guidelines, 2015. Collection method: clinical testing. Allele origin: germline.
Comment: The KIF1B c.2546delA variant is predicted to result in a frameshift and premature protein termination (p.Asn849Ilefs*12). This variant can also be designated c.1977+6485del (intronic) in the alternate transcript NM_015074.3. To our knowledge, this variant has not been reported in the literature or in a large population database, indicating this variant is rare. Frameshift variants in KIF1B are not an established mechanism of disease. At this time, the clinical significance of this variant is uncertain due to the absence of conclusive functional and genetic evidence.